The following is an entry in ClinVar:

NM_006440.5(TXNRD2):c.845C>T (p.Ser282Leu)

Gene: TXNRD2 (thioredoxin reductase 2; minus strand). Cytogenetic location: 22q11.21.
Variant type: single nucleotide variant.
Coding change: c.845C>T on transcript NM_006440.5 (MANE Select); coding-DNA position 845, C replaced by T.
Protein change: p.Ser282Leu; replaces serine 282 with leucine.
Molecular consequence: missense variant. On other transcripts: non-coding transcript variant (1).
Genome position (GRCh38, 1-based): chr22:19,895,511, G>A on the plus strand (C>T on the coding strand, the complement: TXNRD2 is on the minus strand). VCF-style: chr22-19895511-G-A. GRCh37 (hg19) VCF-style: chr22-19883034-G-A.
Other names: c.845C>T, p.Ser282Leu (NM_001282512.3); c.842C>T, p.Ser281Leu (NM_001352300.2); c.755C>T, p.Ser252Leu (NM_001352301.2); c.557C>T, p.Ser186Leu (NM_001352302.2); c.749C>T, p.Ser250Leu (NM_001352303.2); c.845C>T (NM_006440.3); short protein forms S282L, S186L, S250L, S252L, S281L.
Identifiers: ClinVar variation 407097 (VCV000407097.12), dbSNP rs368200536, ClinGen allele CA10103964.
Genomic context (GRCh38, chr22:19,895,511, plus strand): 5'-CCGGTGGTGCTGTCCTCCCAGGTGACCTGCAGCTGGCCATCAGGGAGCCTCCTGACCCGC[G>A]AGGGGGCACAGCCCCTCAGGAACCGGGTGCCATGAGATGCCATGTGCTCTATGACCATGG-3'
Protein context (NP_006431.2, residues 272-292): GTRFLRGCAP[Ser282Leu]RVRRLPDGQL

ClinVar aggregate classification (germline): Conflicting classifications of pathogenicity. Review status: criteria provided, conflicting classifications (1 of 4 stars). 2 submissions from 2 submitters: Uncertain significance (1); Likely benign (1). Last evaluated 2025-06-18.

Conditions:
Cardiovascular phenotype. Identifiers: MedGen CN230736.
Primary dilated cardiomyopathy (DCM). Also called: Dilated Cardiomyopathy. Identifiers: Orphanet 217604, MedGen C0007193, MeSH D002311, MONDO:0005021, HP:0001644. Inheritance: Various modes of inheritance.

Allele frequency attached by ClinVar (database versions not stated): gnomAD exomes below 0.00001; TOPMed below 0.00001; gnomAD 0.00001; ExAC 0.00002; ESP Exome Variant Server 0.00008.
gnomAD v4.1: 8 of 1,613,742 alleles (0.0005%); highest among the groups gnomAD compares: African/African-American, 0.0053%; no homozygotes.

Submissions (2):

Ambry Genetics
Classification: Likely benign for Cardiovascular phenotype. Last evaluated: 2025-06-18. Review status: criteria provided, single submitter. Criteria: Ambry Variant Classification Scheme 2023. Collection method: clinical testing. Allele origin: germline.

Labcorp Genetics (formerly Invitae), Labcorp
Classification: Uncertain significance for Primary dilated cardiomyopathy. Last evaluated: 2024-06-11. Review status: criteria provided, single submitter. Criteria: Invitae Variant Classification Sherloc (09022015). Collection method: clinical testing. Allele origin: germline.
Comment: This sequence change replaces serine, which is neutral and polar, with leucine, which is neutral and non-polar, at codon 282 of the TXNRD2 protein (p.Ser282Leu). This variant is present in population databases (rs368200536, gnomAD 0.004%). This variant has not been reported in the literature in individuals affected with TXNRD2-related conditions. ClinVar contains an entry for this variant (Variation ID: 407097). Advanced modeling of protein sequence and biophysical properties (such as structural, functional, and spatial information, amino acid conservation, physicochemical variation, residue mobility, and thermodynamic stability) performed at Invitae indicates that this missense variant is not expected to disrupt TXNRD2 protein function with a negative predictive value of 80%. In summary, the available evidence is currently insufficient to determine the role of this variant in disease. Therefore, it has been classified as a Variant of Uncertain Significance.